The following is an entry in ClinVar:

NM_001321103.2(SLC4A7):c.3618A>T (p.Ser1206=)

Gene: SLC4A7 (solute carrier family 4 member 7; minus strand). Cytogenetic location: 3p24.1.
Variant type: single nucleotide variant.
Coding change: c.3618A>T on transcript NM_001321103.2 (MANE Select); coding-DNA position 3618, A replaced by T.
Protein change: p.Ser1206=; no amino-acid change (serine 1206 retained).
Molecular consequence: synonymous variant. On other transcripts: non-coding transcript variant (2), intron variant (5).
Genome position (GRCh38, 1-based): chr3:27,379,329, T>A on the plus strand (A>T on the coding strand, the complement: SLC4A7 is on the minus strand). VCF-style: chr3-27379329-T-A. GRCh37 (hg19) VCF-style: chr3-27420820-T-A.
Other names: c.3234A>T, p.Ser1078= (NM_001258379.2); c.3579A>T, p.Ser1193= (NM_001321104.2); c.3246A>T, p.Ser1082= (NM_001321108.2); c.3540-2484A>T (NM_001321106.2); c.3207-2484A>T (NM_001321107.2); c.3552-2484A>T (NM_001321105.2); c.3192-2484A>T (NM_001258380.2); c.3564-2484A>T (NM_003615.5).
Identifiers: ClinVar variation 3905055 (VCV003905055.10).

ClinVar aggregate classification (germline): Likely benign (1 of 4 stars; one submission).

gnomAD v4.1: 1,008 of 1,534,566 alleles (0.066%); highest among the groups gnomAD compares: South Asian, 0.99%; 19 homozygotes.

Submission:

CeGaT Center for Human Genetics Tuebingen
Classification: Likely benign. Last evaluated: 2025-05-01. Review status: criteria provided, single submitter. Criteria: CeGaT Center For Human Genetics Tuebingen Variant Classification Criteria Version 2. Collection method: clinical testing. Allele origin: germline. Affected: yes. Observed: 1 variant allele.
Comment: SLC4A7: BP4, BS2